The following is an entry in ClinVar:

NM_198578.4(LRRK2):c.6413T>C (p.Val2138Ala)

Gene: LRRK2 (leucine rich repeat kinase 2; plus strand). Cytogenetic location: 12q12.
Variant type: single nucleotide variant.
Coding change: c.6413T>C on transcript NM_198578.4 (MANE Select); coding-DNA position 6413, T replaced by C.
Protein change: p.Val2138Ala; replaces valine 2138 with alanine.
Molecular consequence: missense variant.
Genome position (GRCh38, 1-based): chr12:40,351,570, T>C. VCF-style: chr12-40351570-T-C. GRCh37 (hg19) VCF-style: chr12-40745372-T-C.
Other names: short protein forms V2138A.
Identifiers: ClinVar variation 3540655 (VCV003540655.1).

ClinVar aggregate classification (germline): Uncertain significance (1 of 4 stars; one submission).

Conditions:
Inborn genetic diseases. Identifiers: MedGen C0950123, MeSH D030342.

Submission:

Ambry Genetics
Classification: Uncertain significance for Inborn genetic diseases. Last evaluated: 2024-09-02. Review status: criteria provided, single submitter. Criteria: Ambry Variant Classification Scheme 2023. Collection method: clinical testing. Allele origin: germline.
Comment: The p.V2138A variant (also known as c.6413T>C), located in coding exon 44 of the LRRK2 gene, results from a T to C substitution at nucleotide position 6413. The valine at codon 2138 is replaced by alanine, an amino acid with similar properties. This amino acid position is conserved. In addition, this alteration is predicted to be tolerated by in silico analysis. Based on the available evidence, the clinical significance of this variant remains unclear.